The following is an entry in ClinVar:

NM_213599.3(ANO5):c.2646C>A (p.Asn882Lys)

Gene: ANO5 (anoctamin 5; plus strand). Cytogenetic location: 11p14.3.
Variant type: single nucleotide variant.
Coding change: c.2646C>A on transcript NM_213599.3 (MANE Select); coding-DNA position 2646, C replaced by A.
Protein change: p.Asn882Lys; replaces asparagine 882 with lysine.
Molecular consequence: missense variant.
Genome position (GRCh38, 1-based): chr11:22,279,669, C>A. VCF-style: chr11-22279669-C-A. GRCh37 (hg19) VCF-style: chr11-22301215-C-A.
Other names: c.2643C>A, p.Asn881Lys (NM_001142649.2); short protein forms N882K, N881K.
Identifiers: ClinVar variation 970074 (VCV000970074.25), dbSNP rs34969327, ClinGen allele CA218779582.

ClinVar aggregate classification (germline): Uncertain significance. Review status: criteria provided, multiple submitters, no conflicts (2 of 4 stars). 4 submissions from 4 submitters: Uncertain significance (4). Last evaluated 2025-03-20.

Conditions:
ANO5-related disorder. Also called: ANO5-related disorders; ANO5-related condition. Identifiers: MedGen CN239193.
Gnathodiaphyseal dysplasia (GDD). Also called: GNATHODIAPHYSEAL SCLEROSIS; OSTEOGENESIS IMPERFECTA WITH UNUSUAL SKELETAL LESIONS. Identifiers: Orphanet 53697, MedGen C1833736, MONDO:0008151, OMIM 166260.
Autosomal recessive limb-girdle muscular dystrophy type 2L (LGMDR12). Also called: MUSCULAR DYSTROPHY, LIMB-GIRDLE, AUTOSOMAL RECESSIVE 12; Limb-girdle muscular dystrophy, type 2L; Limb-Girdle Muscular Dystrophy R12 Anoctamin-5-Related (LGMD-R12). Identifiers: Orphanet 206549, MedGen C1969785, MONDO:0012652, OMIM 611307.

gnomAD v4.1: 30 of 1,612,652 alleles (0.0019%); highest among the groups gnomAD compares: Middle Eastern, 0.049%; no homozygotes.

Submissions (4):

PreventionGenetics, part of Exact Sciences
Classification: Uncertain significance for ANO5-related condition. Last evaluated: 2025-03-20. Review status: criteria provided, single submitter. Criteria: ACMG Guidelines, 2015. Collection method: clinical testing. Allele origin: germline.
Comment: The ANO5 c.2646C>A variant is predicted to result in the amino acid substitution p.Asn882Lys. To our knowledge, this variant has not been reported in the literature. This variant is reported in 0.015% of alleles in individuals of East Asian descent in gnomAD. At this time, the clinical significance of this variant is uncertain due to the absence of conclusive functional and genetic evidence.

Labcorp Genetics (formerly Invitae), Labcorp
Classification: Uncertain significance for Autosomal recessive limb-girdle muscular dystrophy type 2L; Gnathodiaphyseal dysplasia. Last evaluated: 2024-12-19. Review status: criteria provided, single submitter. Criteria: Invitae Variant Classification Sherloc (09022015). Collection method: clinical testing. Allele origin: germline.
Comment: This sequence change replaces asparagine, which is neutral and polar, with lysine, which is basic and polar, at codon 882 of the ANO5 protein (p.Asn882Lys). This variant is present in population databases (no rsID available, gnomAD 0.02%). This variant has not been reported in the literature in individuals affected with ANO5-related conditions. ClinVar contains an entry for this variant (Variation ID: 970074). Invitae Evidence Modeling of protein sequence and biophysical properties (such as structural, functional, and spatial information, amino acid conservation, physicochemical variation, residue mobility, and thermodynamic stability) indicates that this missense variant is not expected to disrupt ANO5 protein function with a negative predictive value of 80%. In summary, the available evidence is currently insufficient to determine the role of this variant in disease. Therefore, it has been classified as a Variant of Uncertain Significance.

CeGaT Center for Human Genetics Tuebingen
Classification: Uncertain significance. Last evaluated: 2024-12-01. Review status: criteria provided, single submitter. Criteria: CeGaT Center For Human Genetics Tuebingen Variant Classification Criteria Version 2. Collection method: clinical testing. Allele origin: germline. Affected: yes. Observed: 1 variant allele.
Comment: ANO5: PM2, BP4

Revvity Omics, Revvity
Classification: Uncertain significance. Last evaluated: 2020-05-11. Review status: criteria provided, single submitter. Criteria: ACMG Guidelines, 2015. Collection method: clinical testing. Allele origin: germline.